The following is an entry in ClinVar:

ClinVar aggregate classification (germline): Likely benign (1 of 4 stars; one submission).

Conditions:
Malignant hyperthermia, susceptibility to, 1 (MHS1). Also called: Anesthesia related hyperthermia; Malignant hyperpyrexia; Fulminating hyperpyrexia; Pharmacogenic myopathy; RYR1-Related Malignant Hyperthermia Susceptibility; Malignant hyperthermia suceptibility 1. Identifiers: Orphanet 423, MedGen C2930980, MONDO:0007783, OMIM 145600.

gnomAD v4.1: 1 of 1,608,412 alleles (0.000062%); highest among the groups gnomAD compares: Middle Eastern, 0.017%; no homozygotes.

Submission:

All of Us Research Program, National Institutes of Health
Classification: Likely benign for Malignant hyperthermia, susceptibility to, 1. Last evaluated: 2023-10-23. Review status: criteria provided, single submitter. Criteria: ACMG Guidelines, 2015. Collection method: clinical testing. Allele origin: germline. Inheritance: Autosomal dominant inheritance. Observed: 1 variant allele, 1 heterozygote.
Comment: This study involves interpretation of variants in research participants for the purpose of population health screening. Participant phenotype was not available at the time of variant classification. Additional details can be found in publication PMID: 35346344, PMCID: PMC8962531

NM_000540.3(RYR1):c.7926G>A (p.Lys2642=)

Gene: RYR1 (ryanodine receptor 1; plus strand). Cytogenetic location: 19q13.2.
Variant type: single nucleotide variant.
Coding change: c.7926G>A on transcript NM_000540.3 (MANE Select); coding-DNA position 7926, G replaced by A.
Protein change: p.Lys2642=; no amino-acid change (lysine 2642 retained).
Molecular consequence: synonymous variant.
Genome position (GRCh38, 1-based): chr19:38,502,970, G>A. VCF-style: chr19-38502970-G-A. GRCh37 (hg19) VCF-style: chr19-38993610-G-A.
Other names: c.7926G>A, p.Lys2642= (NM_001042723.2).
Identifiers: ClinVar variation 3074149 (VCV003074149.1), dbSNP rs2514344146, ClinGen allele CA507354031.